The following is an entry in ClinVar:

NM_006015.6(ARID1A):c.2754G>C (p.Met918Ile)

Gene: ARID1A (AT-rich interaction domain 1A; plus strand). Cytogenetic location: 1p36.11.
Variant type: single nucleotide variant.
Coding change: c.2754G>C on transcript NM_006015.6 (MANE Select); coding-DNA position 2754, G replaced by C.
Protein change: p.Met918Ile; replaces methionine 918 with isoleucine.
Molecular consequence: missense variant.
Genome position (GRCh38, 1-based): chr1:26,766,242, G>C. VCF-style: chr1-26766242-G-C. GRCh37 (hg19) VCF-style: chr1-27092733-G-C.
Other names: c.2754G>C, p.Met918Ile (NM_139135.4); short protein forms M918I.
Identifiers: ClinVar variation 2901506 (VCV002901506.3), dbSNP rs781401097, ClinGen allele CA707070.

ClinVar aggregate classification (germline): Uncertain significance (1 of 4 stars; one submission).

Allele frequency attached by ClinVar (database versions not stated): gnomAD 0.00001; TOPMed 0.00003; gnomAD exomes 0.00003; ExAC 0.00006.
gnomAD v4.1: 52 of 1,613,684 alleles (0.0032%); highest among the groups gnomAD compares: Non-Finnish European, 0.0041%; no homozygotes.

Submission:

Labcorp Genetics (formerly Invitae), Labcorp
Classification: Uncertain significance. Last evaluated: 2025-09-08. Review status: criteria provided, single submitter. Criteria: Invitae Variant Classification Sherloc (09022015). Collection method: clinical testing. Allele origin: germline.
Comment: This sequence change replaces methionine, which is neutral and non-polar, with isoleucine, which is neutral and non-polar, at codon 918 of the ARID1A protein (p.Met918Ile). This variant is present in population databases (rs781401097, gnomAD 0.007%). This variant has not been reported in the literature in individuals affected with ARID1A-related conditions. ClinVar contains an entry for this variant (Variation ID: 2901506). Invitae Evidence Modeling of protein sequence and biophysical properties (such as structural, functional, and spatial information, amino acid conservation, physicochemical variation, residue mobility, and thermodynamic stability) indicates that this missense variant is not expected to disrupt ARID1A protein function with a negative predictive value of 80%. In summary, the available evidence is currently insufficient to determine the role of this variant in disease. Therefore, it has been classified as a Variant of Uncertain Significance.